The following is an entry in ClinVar:

NM_020184.4(CNNM4):c.264C>G (p.Ser88Arg)

Gene: CNNM4 (cyclin and CBS domain divalent metal cation transport mediator 4; plus strand). Cytogenetic location: 2q11.2.
Variant type: single nucleotide variant.
Coding change: c.264C>G on transcript NM_020184.4 (MANE Select); coding-DNA position 264, C replaced by G.
Protein change: p.Ser88Arg; replaces serine 88 with arginine.
Molecular consequence: missense variant.
Genome position (GRCh38, 1-based): chr2:96,761,263, C>G. VCF-style: chr2-96761263-C-G. GRCh37 (hg19) VCF-style: chr2-97427000-C-G.
Other names: short protein forms S88R.
Identifiers: ClinVar variation 1491151 (VCV001491151.8), dbSNP rs2153341414, ClinGen allele CA347712680.
Genomic context (GRCh38, chr2:96,761,263, plus strand): 5'-GTCCGAGGGCAGCACCGTGAACCTGAGGCTGTACGGCTACAGCCTGGGCAACATCTCCAG[C>G]AACCTGATCTCCTTCACCGAGGTGGACGATGCCGAGACCCTCCACAAGTCCACCAGCTGC-3'
Protein context (NP_064569.3, residues 78-98): LYGYSLGNIS[Ser88Arg]NLISFTEVDD

ClinVar aggregate classification (germline): Uncertain significance (1 of 4 stars; one submission).

Submission:

Labcorp Genetics (formerly Invitae), Labcorp
Classification: Uncertain significance. Last evaluated: 2020-12-04. Review status: criteria provided, single submitter. Criteria: Invitae Variant Classification Sherloc (09022015). Collection method: clinical testing. Allele origin: germline.
Comment: This sequence change replaces serine with arginine at codon 88 of the CNNM4 protein (p.Ser88Arg). The serine residue is weakly conserved and there is a moderate physicochemical difference between serine and arginine. This variant is not present in population databases (ExAC no frequency). This variant has not been reported in the literature in individuals with CNNM4-related conditions. Algorithms developed to predict the effect of missense changes on protein structure and function (SIFT, PolyPhen-2, Align-GVGD) all suggest that this variant is likely to be tolerated, but these predictions have not been confirmed by published functional studies and their clinical significance is uncertain. In summary, the available evidence is currently insufficient to determine the role of this variant in disease. Therefore, it has been classified as a Variant of Uncertain Significance.